The following is an entry in ClinVar:

ClinVar aggregate classification (germline): not provided (0 of 4 stars; one submission).

gnomAD v4.1: 1 of 677,026 alleles (0.00015%); highest among the groups gnomAD compares: Non-Finnish European, 0.00027%; no homozygotes.

Submission:

ITMI
No classification provided. Condition: AllHighlyPenetrant. Last evaluated: 2013-09-19. Review status: no classification provided. Collection method: reference population. Allele origin: germline.
Comment: Please see associated publication for description of ethnicities

Literature cited by the submitters: PubMed 24728327.

NM_003072.5(SMARCA4):c.2617-224T>C

Gene: SMARCA4 (SWI/SNF related, matrix associated, actin dependent regulator of chromatin, subfamily a, member 4; plus strand). Cytogenetic location: 19p13.2.
Variant type: single nucleotide variant.
Coding change: c.2617-224T>C on transcript NM_003072.5 (MANE Select); 224 bases into the intron before coding-DNA position 2617, T replaced by C.
Molecular consequence: intron variant. On other transcripts: non-coding transcript variant (1).
Genome position (GRCh38, 1-based): chr19:11,021,501, T>C. VCF-style: chr19-11021501-T-C. GRCh37 (hg19) VCF-style: chr19-11132177-T-C.
Other names: c.2617-224T>C (NM_001128844.3, NM_001128849.3, NM_001128847.4 and 5 more transcripts).
Identifiers: ClinVar variation 133382 (VCV000133382.1), dbSNP rs587777971, ClinGen allele CA156473.